The following is an entry in ClinVar:

NM_001004334.4(GPR179):c.1466G>A (p.Arg489Gln)

Gene: GPR179 (G protein-coupled receptor 179; minus strand). Cytogenetic location: 17q12.
Variant type: single nucleotide variant.
Coding change: c.1466G>A on transcript NM_001004334.4 (MANE Select); coding-DNA position 1466, G replaced by A.
Protein change: p.Arg489Gln; replaces arginine 489 with glutamine.
Molecular consequence: missense variant.
Genome position (GRCh38, 1-based): chr17:38,335,212, C>T on the plus strand (G>A on the coding strand, the complement: GPR179 is on the minus strand). VCF-style: chr17-38335212-C-T. GRCh37 (hg19) VCF-style: chr17-36491095-C-T.
Other names: short protein forms R489Q.
Identifiers: ClinVar variation 890592 (VCV000890592.10), dbSNP rs551972571, ClinGen allele CA290108706.

ClinVar aggregate classification (germline): Conflicting classifications of pathogenicity. Review status: criteria provided, conflicting classifications (1 of 4 stars). 4 submissions from 4 submitters: Uncertain significance (3); Likely benign (1). Last evaluated 2025-08-26.

Conditions:
Congenital stationary night blindness 1E. Also called: Night blindness, congenital stationary (complete), 1E, autosomal recessive. Identifiers: Orphanet 215, MedGen C3281215, MONDO:0013807, OMIM 614565.
Inborn genetic diseases. Identifiers: MedGen C0950123, MeSH D030342.

Allele frequency attached by ClinVar (database versions not stated): gnomAD exomes 0.00002 and 0.00003; gnomAD 0.00003 and 0.00004; TOPMed 0.00003; 1000 Genomes Project 30x 0.00031; 1000 Genomes Project 0.00040.

Submissions (4):

Ambry Genetics
Classification: Likely benign for Inborn genetic diseases. Last evaluated: 2025-08-26. Review status: criteria provided, single submitter. Criteria: Ambry Variant Classification Scheme 2023. Collection method: clinical testing. Allele origin: germline.

Labcorp Genetics (formerly Invitae), Labcorp
Classification: Uncertain significance. Last evaluated: 2021-08-14. Review status: criteria provided, single submitter. Criteria: Invitae Variant Classification Sherloc (09022015). Collection method: clinical testing. Allele origin: germline.
Comment: This sequence change replaces arginine with glutamine at codon 489 of the GPR179 protein (p.Arg489Gln). The arginine residue is weakly conserved and there is a small physicochemical difference between arginine and glutamine. The frequency data for this variant in the population databases is considered unreliable, as metrics indicate insufficient coverage at this position in the ExAC database. This variant has not been reported in the literature in individuals affected with GPR179-related conditions. ClinVar contains an entry for this variant (Variation ID: 890592). Algorithms developed to predict the effect of missense changes on protein structure and function output the following: SIFT: "Tolerated"; PolyPhen-2: "Benign"; Align-GVGD: "Class C0". The glutamine amino acid residue is found in multiple mammalian species, which suggests that this missense change does not adversely affect protein function. In summary, the available evidence is currently insufficient to determine the role of this variant in disease. Therefore, it has been classified as a Variant of Uncertain Significance.

Illumina Laboratory Services, Illumina
Classification: Uncertain significance for Congenital stationary night blindness 1E. Last evaluated: 2018-01-13. Review status: criteria provided, single submitter. Criteria: ICSL Variant Classification Criteria 13 December 2019. Collection method: clinical testing. Allele origin: germline.

Blueprint Genetics
Classification: Uncertain significance. Last evaluated: 2017-11-05. Review status: criteria provided, single submitter. Criteria: ACMG Guidelines, 2015. Collection method: clinical testing. Allele origin: germline.